The following is an entry in ClinVar:

NM_001170629.2(CHD8):c.7499A>C (p.His2500Pro)

Gene: CHD8 (chromodomain helicase DNA binding protein 8; minus strand). Cytogenetic location: 14q11.2.
Variant type: single nucleotide variant.
Coding change: c.7499A>C on transcript NM_001170629.2 (MANE Select); coding-DNA position 7499, A replaced by C.
Protein change: p.His2500Pro; replaces histidine 2500 with proline.
Molecular consequence: missense variant.
Genome position (GRCh38, 1-based): chr14:21,385,860, T>G on the plus strand (A>C on the coding strand, the complement: CHD8 is on the minus strand). VCF-style: chr14-21385860-T-G. GRCh37 (hg19) VCF-style: chr14-21854019-T-G.
Other names: c.7499A>C (NM_001170629.1); c.6662A>C, p.His2221Pro (NM_020920.4); short protein forms H2221P, H2500P.
Identifiers: ClinVar variation 1206097 (VCV001206097.5), dbSNP rs745917082, ClinGen allele CA7090535.

ClinVar aggregate classification (germline): Likely benign. Review status: criteria provided, single submitter (1 of 4 stars). 4 submissions from 4 submitters: Likely benign (1). 3 of the submissions do not count toward it.

Conditions:
CHD8-related disorder. Also called: CHD8-related condition; CHD8-related disorders.

Allele frequency attached by ClinVar (database versions not stated): ExAC 0.00010.

Submissions (4):

Breakthrough Genomics
Classification: Likely benign. Review status: criteria provided, single submitter. Criteria: ACMG Guidelines, 2015. Collection method: not provided. Allele origin: germline. Inheritance: Autosomal dominant inheritance. Affected: yes.

PreventionGenetics, part of Exact Sciences
Classification: Benign for CHD8-related condition. Last evaluated: 2019-05-24. Review status: no assertion criteria provided. Collection method: clinical testing. Allele origin: germline. Not counted in ClinVar's aggregate classification.
Comment: This variant is classified as benign based on ACMG/AMP sequence variant interpretation guidelines (Richards et al. 2015 PMID: 25741868, with internal and published modifications).

Clinical Genetics DNA and cytogenetics Diagnostics Lab, Erasmus MC, Erasmus Medical Center
Classification: Likely benign. Review status: no assertion criteria provided. Collection method: clinical testing. Allele origin: germline. Affected: yes. Study: VKGL Data-share Consensus. Not counted in ClinVar's aggregate classification.

Laboratory of Diagnostic Genome Analysis, Leiden University Medical Center (LUMC)
Classification: Likely benign. Review status: no assertion criteria provided. Collection method: clinical testing. Allele origin: germline. Affected: yes. Study: VKGL Data-share Consensus. Not counted in ClinVar's aggregate classification.